The following is an entry in ClinVar:

NM_000136.3(FANCC):c.227G>A (p.Trp76Ter)

Gene: FANCC (FA complementation group C; minus strand). Cytogenetic location: 9q22.32.
Variant type: single nucleotide variant.
Coding change: c.227G>A on transcript NM_000136.3 (MANE Select); coding-DNA position 227, G replaced by A.
Protein change: p.Trp76Ter; replaces tryptophan 76 with a stop codon.
Molecular consequence: nonsense.
Genome position (GRCh38, 1-based): chr9:95,247,455, C>T on the plus strand (G>A on the coding strand, the complement: FANCC is on the minus strand). VCF-style: chr9-95247455-C-T. GRCh37 (hg19) VCF-style: chr9-98009737-C-T.
Other names: c.227G>A, p.Trp76Ter (NM_001243743.2, NM_001243744.2); short protein forms W76*.
Identifiers: ClinVar variation 1452149 (VCV001452149.9), dbSNP rs1189888124, ClinGen allele CA374340038.

ClinVar aggregate classification (germline): Pathogenic/Likely pathogenic. Review status: criteria provided, multiple submitters, no conflicts (2 of 4 stars). 3 submissions from 3 submitters: Pathogenic (2); Likely pathogenic (1). Last evaluated 2024-01-01.

Conditions:
Fanconi anemia (FA). Also called: Fanconi's anemia. Identifiers: Orphanet 84, MedGen C0015625, MeSH D005199, MONDO:0019391.
Hereditary cancer-predisposing syndrome. Also called: Tumor predisposition; Neoplastic Syndromes, Hereditary; Hereditary Cancer Syndrome; Hereditary neoplastic syndrome. Identifiers: Orphanet 140162, MedGen C0027672, MeSH D009386, MONDO:0015356.
Fanconi anemia complementation group C (FANCC). Also called: Fanconi anemia, group C; FANCC-Related Fanconi Anemia; FANCONI PANCYTOPENIA, TYPE 3; FACC. Identifiers: Orphanet 84, MedGen C3468041, MONDO:0009213, OMIM 227645.

Submissions (3):

Baylor Genetics
Classification: Likely pathogenic for Fanconi anemia complementation group C. Last evaluated: 2024-01-01. Review status: criteria provided, single submitter. Criteria: ACMG Guidelines, 2015. Collection method: clinical testing. Allele origin: unknown.

Labcorp Genetics (formerly Invitae), Labcorp
Classification: Pathogenic for Fanconi anemia. Last evaluated: 2023-02-01. Review status: criteria provided, single submitter. Criteria: Invitae Variant Classification Sherloc (09022015). Collection method: clinical testing. Allele origin: germline.
Comment: This variant has not been reported in the literature in individuals affected with FANCC-related conditions. ClinVar contains an entry for this variant (Variation ID: 1452149). For these reasons, this variant has been classified as Pathogenic. This variant is not present in population databases (gnomAD no frequency). This sequence change creates a premature translational stop signal (p.Trp76*) in the FANCC gene. It is expected to result in an absent or disrupted protein product. Loss-of-function variants in FANCC are known to be pathogenic (PMID: 17924555).

Ambry Genetics
Classification: Pathogenic for Hereditary cancer-predisposing syndrome. Last evaluated: 2020-12-16. Review status: criteria provided, single submitter. Criteria: Ambry Variant Classification Scheme 2023. Collection method: clinical testing. Allele origin: germline.
Comment: The p.W76* pathogenic mutation (also known as c.227G>A), located in coding exon 2 of the FANCC gene, results from a G to A substitution at nucleotide position 227. This changes the amino acid from a tryptophan to a stop codon within coding exon 2. This alteration is expected to result in loss of function by premature protein truncation or nonsense-mediated mRNA decay. As such, this alteration is interpreted as a disease-causing mutation.

Literature cited by the submitters: PubMed 17924555 (cited by Labcorp Genetics (formerly Invitae), Labcorp).